The following is an entry in ClinVar:

NM_021625.5(TRPV4):c.1038C>T (p.Tyr346=)

Gene: TRPV4 (transient receptor potential cation channel subfamily V member 4; minus strand). Cytogenetic location: 12q24.11.
Variant type: single nucleotide variant.
Coding change: c.1038C>T on transcript NM_021625.5 (MANE Select); coding-DNA position 1038, C replaced by T.
Protein change: p.Tyr346=; no amino-acid change (tyrosine 346 retained).
Molecular consequence: synonymous variant.
Genome position (GRCh38, 1-based): chr12:109,798,728, G>A on the plus strand (C>T on the coding strand, the complement: TRPV4 is on the minus strand). VCF-style: chr12-109798728-G-A. GRCh37 (hg19) VCF-style: chr12-110236533-G-A.
Other names: c.897C>T, p.Tyr299= (NM_001177428.2, NM_001177433.2); c.936C>T, p.Tyr312= (NM_001177431.2); c.1038C>T, p.Tyr346= (NM_147204.3).
Identifiers: ClinVar variation 386671 (VCV000386671.12), dbSNP rs750086412, ClinGen allele CA6780365.

ClinVar aggregate classification (germline): Conflicting classifications of pathogenicity. Review status: criteria provided, conflicting classifications (1 of 4 stars). 10 submissions from 5 submitters: Uncertain significance (6); Likely benign (4). Last evaluated 2025-07-16.

Conditions:
TRPV4-related disorder. Also called: TRPV4-related disorders; TRPV4-related condition.
Inborn genetic diseases. Identifiers: MedGen C0950123, MeSH D030342.
Scapuloperoneal spinal muscular atrophy (SPSMA). Also called: Scapuloperoneal Form of Spinal Muscular Atrophy; Scapuloperoneal spinal muscular atrophy, autosomal dominant; Scapuloperoneal Spinal Muscular Atrophy, TRPV4-Related; AMYOTROPHY, NEUROGENIC SCAPULOPERONEAL, NEW ENGLAND TYPE. Identifiers: Orphanet 431255, MedGen C0751335, MONDO:0008408, OMIM 181405.
Brachyrachia (short spine dysplasia) (BCYM3). Also called: BRACHYRACHIA; Brachyolmia Type 3; Autosomal dominant brachyolmia; Brachyolmia, TRPV4-Related. Identifiers: Orphanet 93304, MedGen C0432227, MONDO:0007232, OMIM 113500.
Spondylometaphyseal dysplasia, Kozlowski type (SMDK). Also called: Dysmorphism arthrogryposis skeletal maturation advanced; Jequier-Kozlowski syndrome; Skeletal dysplasia Jequier-Kozlowski type; SMD Kozlowski type; Spondylometaphyseal Dysplasia, TRPV4-Related (Kozlowski Type). Identifiers: Orphanet 93314, MedGen C0265280, MONDO:0008477, OMIM 184252.
Metatropic dysplasia (MTD). Also called: METATROPIC DWARFISM; Metatropic dysplasia, nonlethal dominant; Metatropic Dysplasia, TRPV4-Related. Identifiers: Orphanet 2635, MedGen C0265281, MONDO:0007986, OMIM 156530.
Neuronopathy, distal hereditary motor, autosomal dominant 8. Also called: SPINAL MUSCULAR ATROPHY, CONGENITAL BENIGN, WITH CONTRACTURES; NEURONOPATHY, DISTAL HEREDITARY MOTOR, TYPE VIII; NEUROPATHY, DISTAL HEREDITARY MOTOR, TYPE VIII; Autosomal dominant congenital benign spinal muscular atrophy. Identifiers: Orphanet 1216, MedGen C1838492, MONDO:0010839, OMIM 600175.
Charcot-Marie-Tooth disease axonal type 2C (HMSN2C). Also called: CHARCOT-MARIE-TOOTH DISEASE, AXONAL, AUTOSOMAL DOMINANT, TYPE 2C; Charcot-Marie-Tooth Neuropathy Type 2C; Charcot-Marie-Tooth Disease Type 2, TRPV4-Related (CMT2C). Identifiers: Orphanet 99937, MedGen C1853710, MONDO:0011633, OMIM 606071.

Allele frequency attached by ClinVar (database versions not stated): ExAC 0.00002; gnomAD 0.00003; TOPMed 0.00003.
gnomAD v4.1: 23 of 1,614,100 alleles (0.0014%); highest among the groups gnomAD compares: Middle Eastern, 0.066%; 1 homozygote.

Submissions (10):

PreventionGenetics, part of Exact Sciences
Classification: Likely benign for TRPV4-related condition. Last evaluated: 2025-07-16. Review status: criteria provided, single submitter. Criteria: ACMG Guidelines, 2015. Collection method: clinical testing. Allele origin: germline.
Comment: This variant is classified as likely benign based on ACMG/AMP sequence variant interpretation guidelines (Richards et al. 2015 PMID: 25741868, with internal and published modifications).

Labcorp Genetics (formerly Invitae), Labcorp
Classification: Likely benign for Charcot-Marie-Tooth disease axonal type 2C. Last evaluated: 2024-09-18. Review status: criteria provided, single submitter. Criteria: Invitae Variant Classification Sherloc (09022015). Collection method: clinical testing. Allele origin: germline.

Ambry Genetics
Classification: Likely benign for Inborn genetic diseases. Last evaluated: 2019-07-11. Review status: criteria provided, single submitter. Criteria: Ambry Variant Classification Scheme 2023. Collection method: clinical testing. Allele origin: germline.

Illumina Laboratory Services, Illumina
Classification: Uncertain significance for Neuronopathy, distal hereditary motor, autosomal dominant 8. Last evaluated: 2018-01-13. Review status: criteria provided, single submitter. Criteria: ICSL Variant Classification Criteria 13 December 2019. Collection method: clinical testing. Allele origin: germline.

Illumina Laboratory Services, Illumina
Classification: Uncertain significance for Brachyrachia (short spine dysplasia). Last evaluated: 2018-01-13. Review status: criteria provided, single submitter. Criteria: ICSL Variant Classification Criteria 13 December 2019. Collection method: clinical testing. Allele origin: germline.

Illumina Laboratory Services, Illumina
Classification: Uncertain significance for Metatropic dysplasia. Last evaluated: 2018-01-13. Review status: criteria provided, single submitter. Criteria: ICSL Variant Classification Criteria 13 December 2019. Collection method: clinical testing. Allele origin: germline.

Illumina Laboratory Services, Illumina
Classification: Uncertain significance for Charcot-Marie-Tooth disease axonal type 2C. Last evaluated: 2018-01-13. Review status: criteria provided, single submitter. Criteria: ICSL Variant Classification Criteria 13 December 2019. Collection method: clinical testing. Allele origin: germline.

Illumina Laboratory Services, Illumina
Classification: Uncertain significance for Spondylometaphyseal dysplasia, Kozlowski type. Last evaluated: 2018-01-13. Review status: criteria provided, single submitter. Criteria: ICSL Variant Classification Criteria 13 December 2019. Collection method: clinical testing. Allele origin: germline.

Illumina Laboratory Services, Illumina
Classification: Uncertain significance for Scapuloperoneal spinal muscular atrophy. Last evaluated: 2018-01-13. Review status: criteria provided, single submitter. Criteria: ICSL Variant Classification Criteria 13 December 2019. Collection method: clinical testing. Allele origin: germline.

GeneDx
Classification: Likely benign. Last evaluated: 2016-06-02. Review status: criteria provided, single submitter. Criteria: GeneDx Variant Classification (06012015). Collection method: clinical testing. Allele origin: germline. Affected: yes.
Comment: This variant is considered likely benign or benign based on one or more of the following criteria: it is a conservative change, it occurs at a poorly conserved position in the protein, it is predicted to be benign by multiple in silico algorithms, and/or has population frequency not consistent with disease.